The following is an entry in ClinVar:

ClinVar aggregate classification (germline): Uncertain significance (1 of 4 stars; one submission).

Conditions:
Glycogen storage disease, type II (IOPD). Also called: CARDIOMEGALIA GLYCOGENICA DIFFUSA; GLYCOGENOSIS, GENERALIZED, CARDIAC FORM; GSD II; POMPE DISEASE, INFANTILE-ONSET; GLYCOGEN STORAGE DISEASE II, INFANTILE-ONSET; ACID ALPHA-GLUCOSIDASE DEFICIENCY, INFANTILE-ONSET. Identifiers: Orphanet 365, MedGen C0017921, MONDO:0009290, OMIM 232300.

Submission:

Labcorp Genetics (formerly Invitae), Labcorp
Classification: Uncertain significance for Glycogen storage disease, type II. Last evaluated: 2017-10-27. Review status: criteria provided, single submitter. Criteria: Invitae Variant Classification Sherloc (09022015). Collection method: clinical testing. Allele origin: germline.
Comment: This variant is not present in population databases (ExAC no frequency). This sequence change replaces histidine with asparagine at codon 584 of the GAA protein (p.His584Asn). The histidine residue is moderately conserved and there is a small physicochemical difference between histidine and asparagine. Algorithms developed to predict the effect of missense changes on protein structure and function output the following: SIFT: "Tolerated"; PolyPhen-2: "Benign"; Align-GVGD: "Class C0". The asparagine amino acid residue is found in multiple mammalian species, suggesting that this missense change does not adversely affect protein function. These predictions have not been confirmed by published functional studies and their clinical significance is uncertain. This variant has not been reported in the literature in individuals with GAA-related disease. In summary, the available evidence is currently insufficient to determine the role of this variant in disease. Therefore, it has been classified as a Variant of Uncertain Significance.

NM_000152.5(GAA):c.1750C>A (p.His584Asn)

Gene: GAA (alpha glucosidase; plus strand). Cytogenetic location: 17q25.3.
Variant type: single nucleotide variant.
Coding change: c.1750C>A on transcript NM_000152.5 (MANE Select); coding-DNA position 1750, C replaced by A.
Protein change: p.His584Asn; replaces histidine 584 with asparagine.
Molecular consequence: missense variant.
Genome position (GRCh38, 1-based): chr17:80,112,096, C>A. VCF-style: chr17-80112096-C-A. GRCh37 (hg19) VCF-style: chr17-78085895-C-A.
Other names: c.1750C>A (LRG_673t1); c.1750C>A, p.His584Asn (NM_001079803.3, NM_001079804.3); short protein forms H584N.
Identifiers: ClinVar variation 526524 (VCV000526524.9), dbSNP rs780475756, ClinGen allele CA401369176.